The following is an entry in ClinVar:

NM_018117.12(WDR11):c.1184G>A (p.Arg395Gln)

Gene: WDR11 (WD repeat domain 11; plus strand). Cytogenetic location: 10q26.12.
Variant type: single nucleotide variant.
Coding change: c.1184G>A on transcript NM_018117.12 (MANE Select); coding-DNA position 1184, G replaced by A.
Protein change: p.Arg395Gln; replaces arginine 395 with glutamine.
Molecular consequence: missense variant.
Genome position (GRCh38, 1-based): chr10:120,866,758, G>A. VCF-style: chr10-120866758-G-A. GRCh37 (hg19) VCF-style: chr10-122626270-G-A.
Other names: short protein forms R395Q.
Identifiers: ClinVar variation 4634659 (VCV004634659.2).
Genomic context (GRCh38, chr10:120,866,758, plus strand): 5'-TGAGTGATGGCAGGGTCATGATATGGGAACTCAAGTCTGCAGTTTGTAATCGAAATTCAC[G>A]GAACAGGTAAATGAATCAACAGGATCATGGTTTTGTTTTTTGTTTCCTGTTTCCTTTTAT-3'
Protein context (NP_060587.8, residues 385-405): LKSAVCNRNS[Arg395Gln]NSSSGVSPLY

ClinVar aggregate classification (germline): Uncertain significance. Review status: criteria provided, multiple submitters, no conflicts (2 of 4 stars). 2 submissions from 2 submitters: Uncertain significance (2). Last evaluated 2025-10-24.

Conditions:
Inborn genetic diseases. Identifiers: MedGen C0950123, MeSH D030342.
WDR11-related disorder. Also called: WDR11-related condition.

gnomAD v4.1: 51 of 1,613,932 alleles (0.0032%); highest among the groups gnomAD compares: East Asian, 0.0045%; no homozygotes.

Submissions (2):

Ambry Genetics
Classification: Uncertain significance for Inborn genetic diseases. Last evaluated: 2025-10-24. Review status: criteria provided, single submitter. Criteria: Ambry Variant Classification Scheme 2023. Collection method: clinical testing. Allele origin: germline.

PreventionGenetics, part of Exact Sciences
Classification: Uncertain significance for WDR11-related condition. Last evaluated: 2024-12-10. Review status: criteria provided, single submitter. Criteria: ACMG Guidelines, 2015. Collection method: clinical testing. Allele origin: germline.
Comment: The WDR11 c.1184G>A variant is predicted to result in the amino acid substitution p.Arg395Gln. To our knowledge, this variant has not been reported in the literature. This variant is reported in 0.0070% of alleles in individuals of European (Non-Finnish) descent in gnomAD. An alternate substitution affecting the same amino acid (p.Arg395Trp) has been reported in individuals with hypogonadotropic hypogonadism (Kim et al. 2010. PubMed ID: 20887964; Kim et al. 2018. PubMed ID: 29263200). At this time, the clinical significance of this variant is uncertain due to the absence of conclusive functional and genetic evidence.